The following is an entry in ClinVar:

NM_001199799.2(ILDR1):c.209T>C (p.Ile70Thr)

Gene: ILDR1 (immunoglobulin like domain containing receptor 1; minus strand). Cytogenetic location: 3q13.33.
Variant type: single nucleotide variant.
Coding change: c.209T>C on transcript NM_001199799.2 (MANE Select); coding-DNA position 209, T replaced by C.
Protein change: p.Ile70Thr; replaces isoleucine 70 with threonine.
Molecular consequence: missense variant.
Genome position (GRCh38, 1-based): chr3:122,007,011, A>G on the plus strand (T>C on the coding strand, the complement: ILDR1 is on the minus strand). VCF-style: chr3-122007011-A-G. GRCh37 (hg19) VCF-style: chr3-121725858-A-G.
Other names: c.209T>C, p.Ile70Thr (NM_001199800.2, NM_175924.4); short protein forms I70T.
Identifiers: ClinVar variation 1408728 (VCV001408728.8), dbSNP rs200286555, ClinGen allele CA82713899.

ClinVar aggregate classification (germline): Uncertain significance (1 of 4 stars; one submission).

Allele frequency attached by ClinVar (database versions not stated): gnomAD exomes below 0.00001 and 0.00001.

Submission:

Labcorp Genetics (formerly Invitae), Labcorp
Classification: Uncertain significance. Last evaluated: 2025-07-10. Review status: criteria provided, single submitter. Criteria: Invitae Variant Classification Sherloc (09022015). Collection method: clinical testing. Allele origin: germline.
Comment: This sequence change replaces isoleucine, which is neutral and non-polar, with threonine, which is neutral and polar, at codon 70 of the ILDR1 protein (p.Ile70Thr). This variant is present in population databases (rs200286555, gnomAD 0.002%). This variant has not been reported in the literature in individuals affected with ILDR1-related conditions. ClinVar contains an entry for this variant (Variation ID: 1408728). An algorithm developed to predict the effect of missense changes on protein structure and function (PolyPhen-2) suggests that this variant is likely to be disruptive. In summary, the available evidence is currently insufficient to determine the role of this variant in disease. Therefore, it has been classified as a Variant of Uncertain Significance.